The following is an entry in ClinVar:

ClinVar aggregate classification (germline): Uncertain significance (1 of 4 stars; one submission).

gnomAD v4.1: 7 of 1,614,216 alleles (0.00043%); highest among the groups gnomAD compares: Middle Eastern, 0.033%; no homozygotes.

Submission:

Ambry Genetics
Classification: Uncertain significance. Last evaluated: 2023-02-04. Review status: criteria provided, single submitter. Criteria: Ambry Variant Classification Scheme 2023. Collection method: clinical testing. Allele origin: germline.
Comment: The p.A372D variant (also known as c.1115C>A), located in coding exon 10 of the BUB1 gene, results from a C to A substitution at nucleotide position 1115. The alanine at codon 372 is replaced by aspartic acid, an amino acid with dissimilar properties. This amino acid position is conserved. In addition, this alteration is predicted to be tolerated by in silico analysis. Since supporting evidence is limited at this time, the clinical significance of this alteration remains unclear.

NM_004336.5(BUB1):c.1115C>A (p.Ala372Asp)

Gene: BUB1 (BUB1 mitotic checkpoint serine/threonine kinase; minus strand). Cytogenetic location: 2q13.
Variant type: single nucleotide variant.
Coding change: c.1115C>A on transcript NM_004336.5 (MANE Select); coding-DNA position 1115, C replaced by A.
Protein change: p.Ala372Asp; replaces alanine 372 with aspartic acid.
Molecular consequence: missense variant.
Genome position (GRCh38, 1-based): chr2:110,661,684, G>T on the plus strand (C>A on the coding strand, the complement: BUB1 is on the minus strand). VCF-style: chr2-110661684-G-T. GRCh37 (hg19) VCF-style: chr2-111419261-G-T.
Other names: c.1055C>A, p.Ala352Asp (NM_001278616.2); c.1115C>A, p.Ala372Asp (NM_001278617.2); short protein forms A372D, A352D.
Identifiers: ClinVar variation 2446967 (VCV002446967.2), dbSNP rs1313571885, ClinGen allele CA348214382.
Genomic context (GRCh38, chr2:110,661,684, plus strand): 5'-GTCTGGGCTTTCAAAGGAACAGGAGGAGCAATGCTCTGGCTGGTGGCTGGGGACACCAAA[G>T]CTGCAGAAATAGCATTTGCCAAAGGAGGAACAACAGGAGGTGCCTCTCTTGGGTTCTTTT-3'
Protein context (NP_004327.1, residues 362-382): VPPLANAISA[Ala372Asp]LVSPATSQSI